The following is an entry in ClinVar:

NM_001008537.3(NEXMIF):c.3362G>A (p.Arg1121Gln)

Gene: NEXMIF (neurite extension and migration factor; minus strand). Cytogenetic location: Xq13.3.
Variant type: single nucleotide variant.
Coding change: c.3362G>A on transcript NM_001008537.3 (MANE Select); coding-DNA position 3362, G replaced by A.
Protein change: p.Arg1121Gln; replaces arginine 1121 with glutamine.
Molecular consequence: missense variant.
Genome position (GRCh38, 1-based): chrX:74,741,195, C>T on the plus strand (G>A on the coding strand, the complement: NEXMIF is on the minus strand). VCF-style: chrX-74741195-C-T. GRCh37 (hg19) VCF-style: chrX-73961030-C-T.
Other names: p.Arg1121Gln; short protein forms R1121Q.
Identifiers: ClinVar variation 977347 (VCV000977347.8), dbSNP rs765054230, ClinGen allele CA10454953.

ClinVar aggregate classification (germline): Uncertain significance. Review status: criteria provided, multiple submitters, no conflicts (2 of 4 stars). 3 submissions from 3 submitters: Uncertain significance (3). Last evaluated 2025-08-29.

Conditions:
X-linked intellectual disability, Cantagrel type (XLID98). Also called: INTELLECTUAL DEVELOPMENTAL DISORDER, X-LINKED 98. Identifiers: Orphanet 85277, MedGen C3806730, MONDO:0010483, OMIM 300912.

Allele frequency attached by ClinVar (database versions not stated): ExAC 0.00001; gnomAD exomes 0.00001; TOPMed 0.00002; gnomAD 0.00003 and 0.00004.
gnomAD v4.1: 11 of 1,209,253 alleles (0.00091%); highest among the groups gnomAD compares: African/African-American, 0.011%; no homozygotes.

Submissions (3):

Labcorp Genetics (formerly Invitae), Labcorp
Classification: Uncertain significance. Last evaluated: 2025-08-29. Review status: criteria provided, single submitter. Criteria: Invitae Variant Classification Sherloc (09022015). Collection method: clinical testing. Allele origin: germline.
Comment: This sequence change replaces arginine, which is basic and polar, with glutamine, which is neutral and polar, at codon 1121 of the NEXMIF protein (p.Arg1121Gln). This variant is present in population databases (rs765054230, gnomAD 0.004%). This variant has not been reported in the literature in individuals affected with NEXMIF-related conditions. ClinVar contains an entry for this variant (Variation ID: 977347). An algorithm developed to predict the effect of missense changes on protein structure and function outputs the following: PolyPhen-2: "Benign". The glutamine amino acid residue is found in multiple mammalian species, which suggests that this missense change does not adversely affect protein function. In summary, the available evidence is currently insufficient to determine the role of this variant in disease. Therefore, it has been classified as a Variant of Uncertain Significance.

Mayo Clinic Laboratories, Mayo Clinic
Classification: Uncertain significance. Last evaluated: 2023-04-05. Review status: criteria provided, single submitter. Criteria: ACMG Guidelines, 2015. Collection method: clinical testing. Allele origin: germline. Observed: 1 variant allele.
Comment: BP4

New York Genome Center
Classification: Uncertain significance for X-linked intellectual disability, Cantagrel type. Last evaluated: 2020-03-10. Review status: criteria provided, single submitter. Criteria: NYGC Assertion Criteria 2020. Collection method: clinical testing. Allele origin: inherited. Observed: 1 hemizygote. Study: CSER-NYCKidSeq.
Comment: This variant is found with low frequency in gnomAD (2 heterozygotes, 0 homozygotes, 0 hemizygotes; allele frequency: 1.09e-5), suggesting it is not a common benign variant in the populations represented in this database. This variant is absent from ClinVar and to ourcurrent knowledge has not been reported in affected individuals in the literature. Pathogenic variants in NEXMIF are largely nonsense, frameshift, and canonical splice variants, and all missense variants present in NEXMIF in ClinVar are reported as Variants of Uncertain Significance. Given the lack of compelling information regarding the functional consequence of the c.3362G>A (p.Arg1121Gln) variant it is reported here as a Variant of Uncertain Significance.